The following is an entry in ClinVar:

NM_001252024.2(TRPM1):c.2373T>C (p.Tyr791=)

Gene: TRPM1 (transient receptor potential cation channel subfamily M member 1; minus strand). Cytogenetic location: 15q13.3.
Variant type: single nucleotide variant.
Coding change: c.2373T>C on transcript NM_001252024.2 (MANE Select); coding-DNA position 2373, T replaced by C.
Protein change: p.Tyr791=; no amino-acid change (tyrosine 791 retained).
Molecular consequence: synonymous variant.
Genome position (GRCh38, 1-based): chr15:31,038,110, A>G on the plus strand (T>C on the coding strand, the complement: TRPM1 is on the minus strand). VCF-style: chr15-31038110-A-G. GRCh37 (hg19) VCF-style: chr15-31330313-A-G.
Other names: c.2424T>C, p.Tyr808= (NM_001252020.2); c.2307T>C, p.Tyr769= (NM_002420.6).
Identifiers: ClinVar variation 315512 (VCV000315512.18), dbSNP rs12913672, ClinGen allele CA7452233.

ClinVar aggregate classification (germline): Benign. Review status: criteria provided, multiple submitters, no conflicts (2 of 4 stars). 5 submissions from 5 submitters: Benign (5). Last evaluated 2026-02-03.

Conditions:
Congenital stationary night blindness 1C. Also called: Night blindness, congenital stationary (complete), 1C, autosomal recessive. Identifiers: Orphanet 215, MedGen C2750747, MONDO:0013183, OMIM 613216.

Allele frequency attached by ClinVar (database versions not stated): 1000 Genomes Project 0.18251; 1000 Genomes Project 30x 0.18645; gnomAD 0.23860 and 0.24521; TOPMed 0.24358; ESP Exome Variant Server 0.25648.
gnomAD v4.1: 379,715 of 1,613,592 alleles (24%); highest among the groups gnomAD compares: Admixed American, 26%; 46,541 homozygotes.

Submissions (5):

Labcorp Genetics (formerly Invitae), Labcorp
Classification: Benign. Last evaluated: 2026-02-03. Review status: criteria provided, single submitter. Criteria: Invitae Variant Classification Sherloc (09022015). Collection method: clinical testing. Allele origin: germline.

Blueprint Genetics
Classification: Benign. Last evaluated: 2024-11-28. Review status: criteria provided, single submitter. Criteria: ACMG Guidelines, 2015. Collection method: clinical testing. Allele origin: germline.

Illumina Laboratory Services, Illumina
Classification: Benign for Congenital stationary night blindness 1C. Last evaluated: 2018-01-13. Review status: criteria provided, single submitter. Criteria: ICSL Variant Classification Criteria 13 December 2019. Collection method: clinical testing. Allele origin: germline.
Comment: This variant was observed in the ICSL laboratory as part of a predisposition screen in an ostensibly healthy population. It had not been previously curated by ICSL or reported in the Human Gene Mutation Database (HGMD: prior to June 1st, 2018), and was therefore a candidate for classification through an automated scoring system. Utilizing variant allele frequency, disease prevalence and penetrance estimates, and inheritance mode, an automated score was calculated to assess if this variant is too frequent to cause the disease. Based on the score and internal cut-off values, a variant classified as benign is not then subjected to further curation. The score for this variant resulted in a classification of benign for this disease.

GeneDx
Classification: Benign. Last evaluated: 2015-03-03. Review status: criteria provided, single submitter. Criteria: GeneDx Variant Classification Process June 2021. Collection method: clinical testing. Allele origin: germline. Affected: yes.

Breakthrough Genomics
Classification: Benign. Review status: criteria provided, single submitter. Criteria: ACMG Guidelines, 2015. Collection method: not provided. Allele origin: germline. Inheritance: Unknown mechanism. Affected: yes.